The following is an entry in ClinVar:

NM_006133.3(DAGLA):c.264G>A (p.Thr88=)

Gene: DAGLA (diacylglycerol lipase alpha; plus strand). Cytogenetic location: 11q12.2.
Variant type: single nucleotide variant.
Coding change: c.264G>A on transcript NM_006133.3 (MANE Select); coding-DNA position 264, G replaced by A.
Protein change: p.Thr88=; no amino-acid change (threonine 88 retained).
Molecular consequence: synonymous variant.
Genome position (GRCh38, 1-based): chr11:61,720,847, G>A. VCF-style: chr11-61720847-G-A. GRCh37 (hg19) VCF-style: chr11-61488319-G-A.
Identifiers: ClinVar variation 4872285 (VCV004872285.2).

ClinVar aggregate classification (germline): Likely benign (1 of 4 stars; one submission).

gnomAD v4.1: 30 of 1,613,370 alleles (0.0019%); highest among the groups gnomAD compares: Admixed American, 0.013%; no homozygotes.

Submission:

CeGaT Center for Human Genetics Tuebingen
Classification: Likely benign. Last evaluated: 2026-06-01. Review status: criteria provided, single submitter. Criteria: CeGaT Center For Human Genetics Tuebingen Variant Classification Criteria Version 2. Collection method: clinical testing. Allele origin: germline. Affected: yes. Observed: 1 variant allele.
Comment: DAGLA: BP4, BP7